The following is an entry in ClinVar:

ClinVar aggregate classification (germline): Pathogenic (1 of 4 stars; one submission).

Conditions:
LAMA2-related muscular dystrophy (LAMA2-RD). Also called: Laminin alpha 2-related dystrophy. Identifiers: MedGen C5679788, MONDO:0100228.

Submission:

Labcorp Genetics (formerly Invitae), Labcorp
Classification: Pathogenic for LAMA2-related muscular dystrophy. Last evaluated: 2023-03-04. Review status: criteria provided, single submitter. Criteria: Invitae Variant Classification Sherloc (09022015). Collection method: clinical testing. Allele origin: germline.
Comment: Disruption of this splice site has been observed in individual(s) with LAMA2-related conditions (PMID: 21922472). It has also been observed to segregate with disease in related individuals. Algorithms developed to predict the effect of sequence changes on RNA splicing suggest that this variant may disrupt the consensus splice site. For these reasons, this variant has been classified as Pathogenic. This variant is not present in population databases (gnomAD no frequency). This sequence change affects a donor splice site in intron 19 of the LAMA2 gene. It is expected to disrupt RNA splicing. Variants that disrupt the donor or acceptor splice site typically lead to a loss of protein function (PMID: 16199547), and loss-of-function variants in LAMA2 are known to be pathogenic (PMID: 18700894, 32904964).

Literature cited by the submitters: PubMed 21922472; PubMed 16199547; PubMed 18700894; PubMed 32904964.

NM_000426.4(LAMA2):c.2749+1G>T

Gene: LAMA2 (laminin subunit alpha 2; plus strand). Cytogenetic location: 6q22.33.
Variant type: single nucleotide variant.
Coding change: c.2749+1G>T on transcript NM_000426.4 (MANE Select); the canonical splice donor site of the intron after coding-DNA position 2749, G replaced by T.
Molecular consequence: splice donor variant.
Genome position (GRCh38, 1-based): chr6:129,288,059, G>T. VCF-style: chr6-129288059-G-T. GRCh37 (hg19) VCF-style: chr6-129609204-G-T.
Other names: c.2749+1G>T (NM_001079823.2).
Identifiers: ClinVar variation 2842891 (VCV002842891.3), dbSNP rs759555791, ClinGen allele CA365610282.